The following is an entry in ClinVar:

ClinVar aggregate classification (germline): Likely pathogenic (1 of 4 stars; one submission).

Conditions:
alpha Thalassemia. Also called: Alpha thalassemia spectrum. Identifiers: Orphanet 846, MedGen C0002312, MONDO:0011399, OMIM 604131.

Submission:

Natera, Inc.
Classification: Likely pathogenic for Alpha thalassemia. Last evaluated: 2024-11-04. Review status: criteria provided, single submitter. Criteria: Natera Variant Classification Schema (03/2026). Collection method: clinical testing. Allele origin: germline.
Comment: The c.289delG variant in HBA1 is a frameshift variant predicted to shift the reading frame beginning at codon 97 and leads to a stop codon 6 codons downstream. This variant is expected to result in nonsense mediated decay, truncation, or a dysfunctional protein product. This variant is rare in the general population with a frequency below the threshold expected for the associated phenotype(s). Given the available evidence, this variant is classified as Likely Pathogenic.

NM_000558.5(HBA1):c.289del (p.Val97fs)

Genes: HBA1 (hemoglobin subunit alpha 1; plus strand), LOC106804613 (hemoglobin subunit alpha 1 recombination region; plus strand). Cytogenetic location: 16p13.3.
Variant type: Deletion.
Coding change: c.289del on transcript NM_000558.5 (MANE Select); coding-DNA position 289, one base deleted (G; older notation c.289delG).
Protein change: p.Val97fs; shifts the reading frame from valine 97.
Molecular consequence: frameshift variant.
Genome position (GRCh38, 1-based): chr16:177,122, G deleted; the last of 2 consecutive G bases (chr16:177,121-177,122); deleting either gives the same sequence. VCF-style (leftmost placement, unchanged base first): chr16-177120-CG-C. GRCh37 (hg19) VCF-style: chr16-227119-CG-C.
Other names: short protein forms V97fs.
Identifiers: ClinVar variation 4814395 (VCV004814395.1).